The following is an entry in ClinVar:

ClinVar aggregate classification (germline): Uncertain significance (1 of 4 stars; one submission).

Allele frequency attached by ClinVar (database versions not stated): TOPMed below 0.00001; ExAC 0.00001.
gnomAD v4.1: 3 of 1,608,038 alleles (0.00019%); highest among the groups gnomAD compares: Admixed American, 0.0017%; no homozygotes.

Submission:

Labcorp Genetics (formerly Invitae), Labcorp
Classification: Uncertain significance. Last evaluated: 2023-12-22. Review status: criteria provided, single submitter. Criteria: Invitae Variant Classification Sherloc (09022015). Collection method: clinical testing. Allele origin: germline.
Comment: This sequence change replaces isoleucine, which is neutral and non-polar, with valine, which is neutral and non-polar, at codon 454 of the COL10A1 protein (p.Ile454Val). This variant is present in population databases (rs770213046, gnomAD 0.003%). This variant has not been reported in the literature in individuals affected with COL10A1-related conditions. ClinVar contains an entry for this variant (Variation ID: 1974972). Advanced modeling of protein sequence and biophysical properties (such as structural, functional, and spatial information, amino acid conservation, physicochemical variation, residue mobility, and thermodynamic stability) performed at Invitae indicates that this missense variant is not expected to disrupt COL10A1 protein function with a negative predictive value of 80%. In summary, the available evidence is currently insufficient to determine the role of this variant in disease. Therefore, it has been classified as a Variant of Uncertain Significance.

NM_000493.4(COL10A1):c.1360A>G (p.Ile454Val)

Genes: COL10A1 (collagen type X alpha 1 chain; minus strand), NT5DC1 (5'-nucleotidase domain containing 1; plus strand). Cytogenetic location: 6q22.1.
Variant type: single nucleotide variant.
Coding change: c.1360A>G on transcript NM_000493.4 (MANE Select); coding-DNA position 1360, A replaced by G.
Protein change: p.Ile454Val; replaces isoleucine 454 with valine.
Molecular consequence: missense variant. On other transcripts: intron variant (1).
Genome position (GRCh38, 1-based): chr6:116,120,756, T>C on the plus strand (A>G on the coding strand, the complement: COL10A1 is on the minus strand). VCF-style: chr6-116120756-T-C. GRCh37 (hg19) VCF-style: chr6-116441919-T-C.
Other names: c.1360A>G, p.Ile454Val (NM_001424106.1, NM_001424107.1); c.529+2811T>C (NM_152729.3); short protein forms I454V.
Identifiers: ClinVar variation 1974972 (VCV001974972.5), dbSNP rs770213046, ClinGen allele CA3968193.